The following is an entry in ClinVar:

NM_000038.6(APC):c.6900T>C (p.Ser2300=)

Gene: APC (APC regulator of Wnt signaling pathway; plus strand). Cytogenetic location: 5q22.2.
Variant type: single nucleotide variant.
Coding change: c.6900T>C on transcript NM_000038.6 (MANE Select); coding-DNA position 6900, T replaced by C.
Protein change: p.Ser2300=; no amino-acid change (serine 2300 retained).
Molecular consequence: synonymous variant.
Genome position (GRCh38, 1-based): chr5:112,842,494, T>C. VCF-style: chr5-112842494-T-C. GRCh37 (hg19) VCF-style: chr5-112178191-T-C.
Other names: c.6900T>C, p.Ser2300= (NM_001127510.3, NM_001354895.2); c.6846T>C, p.Ser2282= (NM_001127511.3); c.6954T>C, p.Ser2318= (NM_001354896.2); c.6930T>C, p.Ser2310= (NM_001354897.2); c.6825T>C, p.Ser2275= (NM_001354898.2); c.6816T>C, p.Ser2272= (NM_001354899.2); c.6777T>C, p.Ser2259= (NM_001354900.2); c.6723T>C, p.Ser2241= (NM_001354901.2); and 5 more.
Identifiers: ClinVar variation 630199 (VCV000630199.24), dbSNP rs202012533, ClinGen allele CA125167807.

ClinVar aggregate classification (germline): Benign/Likely benign. Review status: criteria provided, multiple submitters, no conflicts (2 of 4 stars). 7 submissions from 7 submitters: Benign (1); Likely benign (6). Last evaluated 2025-12-17.

Conditions:
Hereditary cancer-predisposing syndrome. Also called: Neoplastic Syndromes, Hereditary; Tumor predisposition; Hereditary neoplastic syndrome; Hereditary Cancer Syndrome. Identifiers: Orphanet 140162, MedGen C0027672, MeSH D009386, MONDO:0015356.
Familial adenomatous polyposis 1 (FAP1). Also called: POLYPOSIS, ADENOMATOUS INTESTINAL; FAMILIAL ADENOMATOUS POLYPOSIS 1, ATTENUATED. Identifiers: MedGen C2713442, MONDO:0021056, OMIM 175100. Disease mechanism: loss of function.

Allele frequency attached by ClinVar (database versions not stated): gnomAD exomes below 0.00001 and 0.00002; gnomAD 0.00001; TOPMed 0.00002; 1000 Genomes Project 0.00020; 1000 Genomes Project 30x 0.00031.
gnomAD v4.1: 12 of 1,614,062 alleles (0.00074%); highest among the groups gnomAD compares: East Asian, 0.027%; no homozygotes.

Submissions (7):

Labcorp Genetics (formerly Invitae), Labcorp
Classification: Likely benign for Familial adenomatous polyposis 1. Last evaluated: 2025-12-17. Review status: criteria provided, single submitter. Criteria: Invitae Variant Classification Sherloc (09022015). Collection method: clinical testing. Allele origin: germline.

Myriad Genetics, Inc.
Classification: Benign for Familial adenomatous polyposis 1. Last evaluated: 2024-04-08. Review status: criteria provided, single submitter. Criteria: Myriad Autosomal Dominant, Autosomal Recessive and X-Linked Classification Criteria (2023). Collection method: clinical testing. Allele origin: unknown.
Comment: This variant is considered benign. This variant is a silent/synonymous amino acid change and it is not expected to impact splicing.

Women's Health and Genetics/Laboratory Corporation of America, LabCorp
Classification: Likely benign. Last evaluated: 2022-09-22. Review status: criteria provided, single submitter. Criteria: LabCorp Variant Classification Summary - May 2015. Collection method: clinical testing. Allele origin: germline.

Sema4
Classification: Likely benign for Hereditary cancer-predisposing syndrome. Last evaluated: 2021-09-09. Review status: criteria provided, single submitter. Criteria: Sema4 Curation Guidelines. Collection method: curation. Allele origin: germline.

Ambry Genetics
Classification: Likely benign for Hereditary cancer-predisposing syndrome. Last evaluated: 2019-08-29. Review status: criteria provided, single submitter. Criteria: Ambry Variant Classification Scheme 2023. Collection method: clinical testing. Allele origin: germline.

ARUP Laboratories, Molecular Genetics and Genomics, ARUP Laboratories
Classification: Likely benign. Last evaluated: 2018-12-31. Review status: criteria provided, single submitter. Criteria: ARUP Molecular Germline Variant Investigation Process. Collection method: clinical testing. Allele origin: germline.

Color Diagnostics, LLC DBA Color Health
Classification: Likely benign for Hereditary cancer-predisposing syndrome. Last evaluated: 2017-12-23. Review status: criteria provided, single submitter. Criteria: ACMG Guidelines, 2015. Collection method: clinical testing. Allele origin: germline.